The following is an entry in ClinVar:

NM_001253697.2(ERBIN):c.1873A>G (p.Lys625Glu)

Gene: ERBIN (erbb2 interacting protein; plus strand). Cytogenetic location: 5q12.3.
Variant type: single nucleotide variant.
Coding change: c.1873A>G on transcript NM_001253697.2 (MANE Select); coding-DNA position 1873, A replaced by G.
Protein change: p.Lys625Glu; replaces lysine 625 with glutamic acid.
Molecular consequence: missense variant.
Genome position (GRCh38, 1-based): chr5:66,048,751, A>G. VCF-style: chr5-66048751-A-G. GRCh37 (hg19) VCF-style: chr5-65344579-A-G.
Other names: c.1873A>G, p.Lys625Glu (NM_001006600.3, NM_001253698.2, NM_001253699.2 and 1 more transcripts); c.1861A>G, p.Lys621Glu (NM_001253701.2); short protein forms K621E, K625E.
Identifiers: ClinVar variation 1939707 (VCV001939707.5), dbSNP rs1470444195, ClinGen allele CA359863613.
Genomic context (GRCh38, chr5:66,048,751, plus strand): 5'-GAAGAGATGAAAATGGCGGAGATGCGACCACCATTAATTGAAACCTCTATTAACCAGCCA[A>G]AAGTCGTAGCACTTAGTAATAACAAAAAAGGTTAGATGTTAAAGGAAAGTGCTAAGAATA-3'
Protein context (NP_001240626.1, residues 615-635): PLIETSINQP[Lys625Glu]VVALSNNKKD

ClinVar aggregate classification (germline): Uncertain significance (1 of 4 stars; one submission).

Allele frequency attached by ClinVar (database versions not stated): gnomAD 0.00001; gnomAD exomes 0.00001.
gnomAD v4.1: 4 of 1,606,704 alleles (0.00025%); highest among the groups gnomAD compares: Admixed American, 0.0034%; no homozygotes.

Submission:

Labcorp Genetics (formerly Invitae), Labcorp
Classification: Uncertain significance. Last evaluated: 2024-11-13. Review status: criteria provided, single submitter. Criteria: Invitae Variant Classification Sherloc (09022015). Collection method: clinical testing. Allele origin: germline.
Comment: This sequence change replaces lysine, which is basic and polar, with glutamic acid, which is acidic and polar, at codon 625 of the ERBIN protein (p.Lys625Glu). This variant is present in population databases (no rsID available, gnomAD 0.006%). This variant has not been reported in the literature in individuals affected with ERBIN-related conditions. ClinVar contains an entry for this variant (Variation ID: 1939707). An algorithm developed to predict the effect of missense changes on protein structure and function (PolyPhen-2) suggests that this variant is likely to be disruptive. In summary, the available evidence is currently insufficient to determine the role of this variant in disease. Therefore, it has been classified as a Variant of Uncertain Significance.